The following is an entry in ClinVar:

ClinVar aggregate classification (germline): Uncertain significance (1 of 4 stars; one submission).

Submission:

Athena Diagnostics
Classification: Uncertain significance. Last evaluated: 2023-07-07. Review status: criteria provided, single submitter. Criteria: Athena Diagnostics Criteria. Collection method: clinical testing. Allele origin: unknown.
Comment: Available data are insufficient to determine the clinical significance of the variant at this time. This variant is expected to severely impact normal RNA splicing, resulting in the loss of a functional protein, however, it is not known if such variants in this gene are associated with disease. Assessment of experimental evidence regarding the effect of this variant on protein function is inconclusive. Results indicate reduced signaling properties in vitro, however, this is not consistent with the disease mechanism for CADASIL (PMID: 31960911). This variant has not been reported in large, multi-ethnic general populations.

Literature cited by the submitters: PubMed 31960911.

NM_000435.3(NOTCH3):c.1492+2T>C

Gene: NOTCH3 (notch receptor 3; minus strand). Cytogenetic location: 19p13.12.
Variant type: single nucleotide variant.
Coding change: c.1492+2T>C on transcript NM_000435.3 (MANE Select); the canonical splice donor site of the intron after coding-DNA position 1492, T replaced by C.
Molecular consequence: splice donor variant.
Genome position (GRCh38, 1-based): chr19:15,188,233, A>G on the plus strand (T>C on the coding strand, the complement: NOTCH3 is on the minus strand). VCF-style: chr19-15188233-A-G. GRCh37 (hg19) VCF-style: chr19-15299044-A-G.
Identifiers: ClinVar variation 2684130 (VCV002684130.1), dbSNP rs1599390523, ClinGen allele CA404526701.
Genomic context (GRCh38, chr19:15,188,233, plus strand): 5'-CCCTGGAGTTTTTGCCCCTTCCCAGACATGTCTTTTCGGGCTCCCTCTCCTGAGGTCCTC[A>G]CCCGAGGGGCAGGTGCAGCTGAAGCCATTGACTCGGTCCTTGCAGACCCCACCGTTGACA-3'